The following is an entry in ClinVar:

NC_000002.11:g.(?_48018060)_(48033503_?)del

Gene: MSH6 (mutS homolog 6; plus strand). Cytogenetic location: 2p16.3.
Variant type: Deletion.
Identifiers: ClinVar variation 1072676 (VCV001072676.3).

ClinVar aggregate classification (germline): Pathogenic (1 of 4 stars; one submission).

Conditions:
Hereditary nonpolyposis colorectal neoplasms. Identifiers: MedGen C0009405, MeSH D003123.

Submission:

Labcorp Genetics (formerly Invitae), Labcorp
Classification: Pathogenic for Hereditary nonpolyposis colorectal neoplasms. Last evaluated: 2016-06-01. Review status: criteria provided, single submitter. Criteria: Invitae Variant Classification Sherloc (09022015). Collection method: clinical testing. Allele origin: germline.
Comment: For these reasons, this variant has been classified as Pathogenic. This variant is a gross deletion of the genomic region encompassing exons 2-7 and the first 89 nucleotides of exon 8 of the MSH6 gene (c.261-3237_3735del). The 5' breakpoint of this deletion is within intron 1 at c.261-3237; the 3' breakpoint is within exon 8 at c.3735. This creates a premature translational stop signal and is expected to result in an absent or disrupted protein product. While this particular variant has not been reported in the literature, truncating variants in MSH6 are known to be pathogenic (PMID: 24362816, 18269114).

Literature cited by the submitters: PubMed 24362816; PubMed 18269114.